The following is an entry in ClinVar:

NM_001127222.2(CACNA1A):c.3296A>G (p.Asn1099Ser)

Gene: CACNA1A (calcium voltage-gated channel subunit alpha1 A; minus strand). Cytogenetic location: 19p13.13.
Variant type: single nucleotide variant.
Coding change: c.3296A>G on transcript NM_001127222.2 (MANE Select); coding-DNA position 3296, A replaced by G.
Protein change: p.Asn1099Ser; replaces asparagine 1099 with serine.
Molecular consequence: missense variant.
Genome position (GRCh38, 1-based): chr19:13,286,760, T>C on the plus strand (A>G on the coding strand, the complement: CACNA1A is on the minus strand). VCF-style: chr19-13286760-T-C. GRCh37 (hg19) VCF-style: chr19-13397574-T-C.
Other names: c.3308A>G, p.Asn1103Ser (NM_000068.4, NM_023035.3); c.3299A>G, p.Asn1100Ser (NM_001127221.2, NM_001174080.2); short protein forms N1099S, N1100S, N1103S.
Identifiers: ClinVar variation 4527438 (VCV004527438.1).

ClinVar aggregate classification (germline): Uncertain significance (1 of 4 stars; one submission).

gnomAD v4.1: 3 of 1,611,060 alleles (0.00019%); highest among the groups gnomAD compares: Non-Finnish European, 0.00025%; no homozygotes.

Submission:

GeneDx
Classification: Uncertain significance. Last evaluated: 2025-04-24. Review status: criteria provided, single submitter. Criteria: GeneDx Variant Classification Process June 2021. Collection method: clinical testing. Allele origin: germline. Affected: yes.
Comment: Not observed at significant frequency in large population cohorts (gnomAD); In silico analysis indicates that this missense variant does not alter protein structure/function; Has not been previously published as pathogenic or benign to our knowledge